The following is an entry in ClinVar:

NM_017654.4(SAMD9):c.1371A>C (p.Glu457Asp)

Gene: SAMD9 (sterile alpha motif domain containing 9; minus strand). Cytogenetic location: 7q21.2.
Variant type: single nucleotide variant.
Coding change: c.1371A>C on transcript NM_017654.4 (MANE Select); coding-DNA position 1371, A replaced by C.
Protein change: p.Glu457Asp; replaces glutamic acid 457 with aspartic acid.
Molecular consequence: missense variant.
Genome position (GRCh38, 1-based): chr7:93,104,727, T>G on the plus strand (A>C on the coding strand, the complement: SAMD9 is on the minus strand). VCF-style: chr7-93104727-T-G. GRCh37 (hg19) VCF-style: chr7-92734040-T-G.
Other names: c.1371A>C, p.Glu457Asp (NM_001193307.2); short protein forms E457D.
Identifiers: ClinVar variation 3949619 (VCV003949619.1).

ClinVar aggregate classification (germline): Uncertain significance (1 of 4 stars; one submission).

Conditions:
Inborn genetic diseases. Identifiers: MedGen C0950123, MeSH D030342.

gnomAD v4.1: 2 of 1,613,922 alleles (0.00012%); highest among the groups gnomAD compares: African/African-American, 0.0027%; no homozygotes.

Submission:

Ambry Genetics
Classification: Uncertain significance for Inborn genetic diseases. Last evaluated: 2025-05-10. Review status: criteria provided, single submitter. Criteria: Ambry Variant Classification Scheme 2023. Collection method: clinical testing. Allele origin: germline.
Comment: The p.E457D variant (also known as c.1371A>C), located in coding exon 1 of the SAMD9 gene, results from an A to C substitution at nucleotide position 1371. The glutamic acid at codon 457 is replaced by aspartic acid, an amino acid with highly similar properties. This amino acid position is conserved. In addition, this alteration is predicted to be tolerated by in silico analysis. Based on the available evidence, the clinical significance of this variant remains unclear.